The following is an entry in ClinVar:

ClinVar aggregate classification (germline): Uncertain significance (1 of 4 stars; one submission).

Conditions:
Tuberous sclerosis 1 (TSC1). Identifiers: Orphanet 805, MedGen C1854465, MONDO:0008612, OMIM 191100.

Submission:

Labcorp Genetics (formerly Invitae), Labcorp
Classification: Uncertain significance for Tuberous sclerosis 1. Last evaluated: 2020-12-30. Review status: criteria provided, single submitter. Criteria: Invitae Variant Classification Sherloc (09022015). Collection method: clinical testing. Allele origin: germline.
Comment: In summary, the available evidence is currently insufficient to determine the role of this variant in disease. Therefore, it has been classified as a Variant of Uncertain Significance. Algorithms developed to predict the effect of missense changes on protein structure and function (SIFT, PolyPhen-2, Align-GVGD) all suggest that this variant is likely to be tolerated, but these predictions have not been confirmed by published functional studies and their clinical significance is uncertain. This variant has not been reported in the literature in individuals with TSC1-related conditions. This variant is not present in population databases (ExAC no frequency). This sequence change replaces asparagine with lysine at codon 762 of the TSC1 protein (p.Asn762Lys). The asparagine residue is weakly conserved and there is a moderate physicochemical difference between asparagine and lysine.

NM_000368.5(TSC1):c.2286T>A (p.Asn762Lys)

Gene: TSC1 (TSC complex subunit 1; minus strand). Cytogenetic location: 9q34.13.
Variant type: single nucleotide variant.
Coding change: c.2286T>A on transcript NM_000368.5 (MANE Select); coding-DNA position 2286, T replaced by A.
Protein change: p.Asn762Lys; replaces asparagine 762 with lysine.
Molecular consequence: missense variant.
Genome position (GRCh38, 1-based): chr9:132,902,710, A>T on the plus strand (T>A on the coding strand, the complement: TSC1 is on the minus strand). VCF-style: chr9-132902710-A-T. GRCh37 (hg19) VCF-style: chr9-135778097-A-T.
Other names: c.2283T>A, p.Asn761Lys (NM_001162426.2); c.2133T>A, p.Asn711Lys (NM_001162427.2); c.1923T>A, p.Asn641Lys (NM_001362177.2); short protein forms N711K, N762K, N641K, N761K.
Identifiers: ClinVar variation 1425376 (VCV001425376.8), dbSNP rs1554815010, ClinGen allele CA375359745.